The following is an entry in ClinVar:

ClinVar aggregate classification (germline): Benign (1 of 4 stars; one submission).

Conditions:
Peutz-Jeghers syndrome (PJS). Also called: POLYPOSIS, HAMARTOMATOUS INTESTINAL; POLYPS-AND-SPOTS SYNDROME; Peutz-Jeghers polyposis; Periorificial lentiginosis syndrome. Identifiers: Orphanet 2869, MedGen C0031269, MeSH D010580, MONDO:0008280, OMIM 175200.

Submission:

Myriad Genetics, Inc.
Classification: Benign for Peutz-Jeghers syndrome. Last evaluated: 2025-03-26. Review status: criteria provided, single submitter. Criteria: Myriad Autosomal Dominant, Autosomal Recessive and X-Linked Classification Criteria (2023). Collection method: clinical testing. Allele origin: unknown.
Comment: This variant is considered benign. This variant is a silent/synonymous amino acid change and it is not expected to impact splicing.

NM_000455.5(STK11):c.594C>A (p.Ala198=)

Gene: STK11 (serine/threonine kinase 11; plus strand). Cytogenetic location: 19p13.3.
Variant type: single nucleotide variant.
Coding change: c.594C>A on transcript NM_000455.5 (MANE Select); coding-DNA position 594, C replaced by A.
Protein change: p.Ala198=; no amino-acid change (alanine 198 retained).
Molecular consequence: synonymous variant. On other transcripts: non-coding transcript variant (1).
Genome position (GRCh38, 1-based): chr19:1,220,502, C>A. VCF-style: chr19-1220502-C-A. GRCh37 (hg19) VCF-style: chr19-1220501-C-A.
Other names: c.594C>A, p.Ala198= (NM_001407255.1).
Identifiers: ClinVar variation 3903980 (VCV003903980.1).